The following is an entry in ClinVar:

ClinVar aggregate classification (germline): Likely pathogenic (1 of 4 stars; one submission).

Conditions:
Glycine encephalopathy. Also called: Non-ketotic hyperglycinemia; Nonketotic hyperglycinemia. Identifiers: Orphanet 407, MedGen C0751748, MONDO:0011612, HP:0008288.

Submission:

Myriad Genetics, Inc.
Classification: Likely pathogenic for Glycine encephalopathy 1. Last evaluated: 2022-02-02. Review status: criteria provided, single submitter. Criteria: Myriad Women's Health Autosomal Recessive and X-Linked Classification Criteria (2021). Collection method: clinical testing. Allele origin: unknown.
Comment: NM_000170.2(GLDC):c.1506_1507ins5(E503Hfs*38) is expected to be pathogenic in the context of glycine encephalopathy, GLDC-related. This variant is predicted to lead to an abnormal or absent protein product due to the creation of a premature termination codon in GLDC, a gene where loss-of-function variants are known to be pathogenic. Please note: this variant was assessed in the context of healthy population screening.

NM_000170.3(GLDC):c.1506_1507insCACTT (p.Glu503fs)

Gene: GLDC (glycine decarboxylase; minus strand). Cytogenetic location: 9p24.1.
Variant type: Insertion.
Coding change: c.1506_1507insCACTT on transcript NM_000170.3 (MANE Select); coding-DNA positions 1506 to 1507, CACTT inserted.
Protein change: p.Glu503fs; shifts the reading frame from glutamic acid 503.
Molecular consequence: frameshift variant.
Genome position: GRCh38 VCF-style: chr9-6589268-C-CAAGTG. GRCh37 (hg19) VCF-style: chr9-6589268-C-CAAGTG.
Other names: short protein forms E503fs.
Identifiers: ClinVar variation 1724251 (VCV001724251.2), dbSNP rs2489080277, ClinGen allele CA2580080248.